The following is an entry in ClinVar:

ClinVar aggregate classification (germline): Pathogenic (0 of 4 stars; one submission).

Conditions:
Bietti crystalline corneoretinal dystrophy (BCD). Also called: Bietti Crystalline Dystrophy; BIETTI TAPETORETINAL DEGENERATION WITH MARGINAL CORNEAL DYSTROPHY. Identifiers: Orphanet 41751, MedGen C1859486, MONDO:0008865, OMIM 210370.

Submission:

GeneReviews
Classification: Pathogenic for Bietti Crystalline Dystrophy. Last evaluated: 2012-04-12. Review status: no assertion criteria provided. Collection method: curation. Allele origin: unknown.
ClinVar note: Converted during submission from pathologic to Pathogenic.

NM_207352.4(CYP4V2):c.655T>C (p.Tyr219His)

Gene: CYP4V2 (cytochrome P450 family 4 subfamily V member 2; plus strand). Cytogenetic location: 4q35.1.
Variant type: single nucleotide variant.
Coding change: c.655T>C on transcript NM_207352.4 (MANE Select); coding-DNA position 655, T replaced by C.
Protein change: p.Tyr219His; replaces tyrosine 219 with histidine.
Molecular consequence: missense variant.
Genome position (GRCh38, 1-based): chr4:186,197,583, T>C. VCF-style: chr4-186197583-T-C. GRCh37 (hg19) VCF-style: chr4-187118737-T-C.
Other names: c.959T>C; short protein forms Y219H.
Identifiers: ClinVar variation 39268 (VCV000039268.3), dbSNP rs199476191, ClinGen allele CA343735.